The following is an entry in ClinVar:

ClinVar aggregate classification (germline): Benign. Review status: criteria provided, multiple submitters, no conflicts (2 of 4 stars). 5 submissions from 5 submitters: Benign (5). Last evaluated 2024-07-31.

Conditions:
Deficiency of aromatic-L-amino-acid decarboxylase. Also called: AADC DEFICIENCY; DDC DEFICIENCY; DOPA DECARBOXYLASE DEFICIENCY; Aromatic amino acid decarboxylase deficiency; Aromatic L-Amino Acid Decarboxylase Deficiency. Identifiers: Orphanet 35708, MedGen C1291564, MONDO:0012084, OMIM 608643.

Allele frequency attached by ClinVar (database versions not stated): 1000 Genomes Project 0.32448; 1000 Genomes Project 30x 0.32901; gnomAD exomes 0.32993 and 0.34229; ExAC 0.33336; TOPMed 0.35333; gnomAD 0.35848 and 0.36243; ESP Exome Variant Server 0.36406.
gnomAD v4.1: 544,113 of 1,585,054 alleles (34%); highest among the groups gnomAD compares: African/African-American, 44%; 95,584 homozygotes.

Submissions (5):

Unidad de Genómica Garrahan, Hospital de Pediatría Garrahan
Classification: Benign. Last evaluated: 2024-07-31. Review status: criteria provided, single submitter. Criteria: ACMG Guidelines, 2015. Collection method: clinical testing. Allele origin: germline. Affected: no. Observed: 57 variant alleles.
Comment: This variant is classified as Benign based on local population frequency. This variant was detected in 61% of patients studied in a panel designed for Epileptic and Developmental Encephalopathy, Progressive Myoclonus Epilepsy and Abnormal Movements and Neurodegeneration with brain iron accumulation. Number of patients: 57. Only high quality variants are reported.

Mayo Clinic Laboratories, Mayo Clinic
Classification: Benign. Last evaluated: 2022-04-14. Review status: criteria provided, single submitter. Criteria: ACMG Guidelines, 2015. Collection method: clinical testing. Allele origin: germline. Observed: 16 variant alleles.

Genome-Nilou Lab
Classification: Benign for Deficiency of aromatic-L-amino-acid decarboxylase. Last evaluated: 2021-07-30. Review status: criteria provided, single submitter. Criteria: ACMG Guidelines, 2015. Collection method: clinical testing. Allele origin: germline. Affected: no.

GeneDx
Classification: Benign. Last evaluated: 2021-03-15. Review status: criteria provided, single submitter. Criteria: GeneDx Variant Classification Process June 2021. Collection method: clinical testing. Allele origin: germline. Affected: yes.

Breakthrough Genomics
Classification: Benign. Review status: criteria provided, single submitter. Criteria: ACMG Guidelines, 2015. Collection method: not provided. Allele origin: germline. Inheritance: Autosomal recessive inheritance. Affected: yes.

NM_001082971.2(DDC):c.715-22C>T

Gene: DDC (dopa decarboxylase; minus strand). Cytogenetic location: 7p12.1.
Variant type: single nucleotide variant.
Coding change: c.715-22C>T on transcript NM_001082971.2 (MANE Select); 22 bases into the intron before coding-DNA position 715, C replaced by T.
Molecular consequence: intron variant.
Genome position (GRCh38, 1-based): chr7:50,504,081, G>A on the plus strand (C>T on the coding strand, the complement: DDC is on the minus strand). VCF-style: chr7-50504081-G-A. GRCh37 (hg19) VCF-style: chr7-50571779-G-A.
Other names: p.?; c.481-22C>T (NM_001242888.2); c.601-22C>T (NM_001242886.2); c.436-22C>T (NM_001242889.2); c.571-22C>T (NM_001242887.2); c.715-22C>T (NM_000790.4, NM_001242890.2).
Identifiers: ClinVar variation 1175562 (VCV001175562.8), dbSNP rs11575375, ClinGen allele CA4262271.